The following is an entry in ClinVar:

ClinVar aggregate classification (germline): Conflicting classifications of pathogenicity. Review status: criteria provided, conflicting classifications (1 of 4 stars). 6 submissions from 6 submitters: Uncertain significance (5); Likely benign (1). Last evaluated 2024-06-09.

Conditions:
Hereditary cancer-predisposing syndrome. Also called: Hereditary neoplastic syndrome; Neoplastic Syndromes, Hereditary; Tumor predisposition; Hereditary Cancer Syndrome. Identifiers: Orphanet 140162, MedGen C0027672, MeSH D009386, MONDO:0015356.
Hereditary breast ovarian cancer syndrome. Also called: Hereditary breast and ovarian cancer syndrome (HBOC); Breast and ovarian cancer; Hereditary breast and ovarian cancer syndrome; Hereditary breast and ovarian cancer; Hereditary breast and/or ovarian cancer syndrome; BRCA1- and BRCA2-Associated Hereditary Breast and Ovarian Cancer. Identifiers: Orphanet 145, MedGen C0677776, MeSH D061325, MONDO:0003582. Disease mechanism: loss of function.
Breast-ovarian cancer, familial, susceptibility to, 2 (BROVCA2). Also called: BRCA2 Hereditary Breast and Ovarian Cancer. Identifiers: Orphanet 145, MedGen C2675520, MONDO:0012933, OMIM 612555. Disease mechanism: loss of function.

Submissions (6):

Labcorp Genetics (formerly Invitae), Labcorp
Classification: Uncertain significance for Hereditary breast ovarian cancer syndrome. Last evaluated: 2024-06-09. Review status: criteria provided, single submitter. Criteria: Invitae Variant Classification Sherloc (09022015). Collection method: clinical testing. Allele origin: germline.
Comment: This sequence change replaces asparagine, which is neutral and polar, with isoleucine, which is neutral and non-polar, at codon 1603 of the BRCA2 protein (p.Asn1603Ile). This variant is not present in population databases (gnomAD no frequency). This missense change has been observed in individual(s) with breast cancer (PMID: 22476429). ClinVar contains an entry for this variant (Variation ID: 482988). Advanced modeling of protein sequence and biophysical properties (such as structural, functional, and spatial information, amino acid conservation, physicochemical variation, residue mobility, and thermodynamic stability) performed at Invitae indicates that this missense variant is not expected to disrupt BRCA2 protein function with a negative predictive value of 95%. In summary, the available evidence is currently insufficient to determine the role of this variant in disease. Therefore, it has been classified as a Variant of Uncertain Significance.

Ambry Genetics
Classification: Uncertain significance for Hereditary cancer-predisposing syndrome. Last evaluated: 2023-10-08. Review status: criteria provided, single submitter. Criteria: Ambry Variant Classification Scheme 2023. Collection method: clinical testing. Allele origin: germline.
Comment: The p.N1603I variant (also known as c.4808A>T), located in coding exon 10 of the BRCA2 gene, results from an A to T substitution at nucleotide position 4808. The asparagine at codon 1603 is replaced by isoleucine, an amino acid with dissimilar properties. In one study, this alteration was detected in 1/146 Caucasians with high-risk breast and/or ovarian cancer family histories (Lu W et al. Fam. Cancer 2012 Sep; 11(3):381-5). This amino acid position is poorly conserved in available vertebrate species. In addition, this alteration is predicted to be tolerated by in silico analysis. Since supporting evidence is limited at this time, the clinical significance of this alteration remains unclear.

University of Washington Department of Laboratory Medicine, University of Washington
Classification: Likely benign for Hereditary cancer-predisposing syndrome. Last evaluated: 2023-03-23. Review status: criteria provided, single submitter. Criteria: Dines et al. (Genet Med. 2020). Collection method: curation. Allele origin: germline.
Comment: Missense variant in a coldspot region where missense variants are very unlikely to be pathogenic (PMID:31911673).

BRCA2 exon 11 coldspot. Reclassification based on statistical prior probability.

Quest Diagnostics Nichols Institute San Juan Capistrano
Classification: Uncertain significance. Last evaluated: 2020-03-17. Review status: criteria provided, single submitter. Criteria: Quest Diagnostics criteria. Collection method: clinical testing. Allele origin: unknown.

Mendelics
Classification: Uncertain significance for Breast-ovarian cancer, familial, susceptibility to, 2. Last evaluated: 2019-05-28. Review status: criteria provided, single submitter. Criteria: Mendelics Assertion Criteria 2017. Collection method: clinical testing. Allele origin: unknown.

Color Diagnostics, LLC DBA Color Health
Classification: Uncertain significance for Hereditary cancer-predisposing syndrome. Last evaluated: 2019-04-28. Review status: criteria provided, single submitter. Criteria: ACMG Guidelines, 2015. Collection method: clinical testing. Allele origin: germline.

Literature cited by the submitters: PubMed 22476429 (cited by 3 submitters).

NM_000059.4(BRCA2):c.4808A>T (p.Asn1603Ile)

Gene: BRCA2 (BRCA2 DNA repair associated; plus strand). Cytogenetic location: 13q13.1.
Variant type: single nucleotide variant.
Coding change: c.4808A>T on transcript NM_000059.4 (MANE Select); coding-DNA position 4808, A replaced by T.
Protein change: p.Asn1603Ile; replaces asparagine 1603 with isoleucine.
Molecular consequence: missense variant.
Genome position (GRCh38, 1-based): chr13:32,339,163, A>T. VCF-style: chr13-32339163-A-T. GRCh37 (hg19) VCF-style: chr13-32913300-A-T.
Other names: short protein forms N1603I.
Identifiers: ClinVar variation 482988 (VCV000482988.19), dbSNP rs890665355, ClinGen allele CA247508443.